The following is an entry in ClinVar:

ClinVar aggregate classification (germline): Likely benign (1 of 4 stars; one submission).

gnomAD v4.1: 3 of 1,613,314 alleles (0.00019%); highest among the groups gnomAD compares: Admixed American, 0.005%; no homozygotes.

Submission:

CeGaT Center for Human Genetics Tuebingen
Classification: Likely benign. Last evaluated: 2025-09-01. Review status: criteria provided, single submitter. Criteria: CeGaT Center For Human Genetics Tuebingen Variant Classification Criteria Version 2. Collection method: clinical testing. Allele origin: germline. Affected: yes. Observed: 1 variant allele.
Comment: TTN: BP4, BP7

NM_001267550.2(TTN):c.11312-4708T>C

Gene: TTN (titin; minus strand). Cytogenetic location: 2q31.2.
Variant type: single nucleotide variant.
Coding change: c.11312-4708T>C on transcript NM_001267550.2 (MANE Select); 4708 bases into the intron before coding-DNA position 11312, T replaced by C.
Molecular consequence: intron variant. On other transcripts: synonymous variant (1).
Genome position (GRCh38, 1-based): chr2:178,746,629, A>G on the plus strand (T>C on the coding strand, the complement: TTN is on the minus strand). VCF-style: chr2-178746629-A-G. GRCh37 (hg19) VCF-style: chr2-179611356-A-G.
Other names: c.15771T>C, p.Ala5257= (NM_133379.5); c.10223-4708T>C (NM_003319.4); c.10799-4708T>C (NM_133437.4); c.10598-4708T>C (NM_133432.3); c.10360+6495T>C (NM_133378.4); c.10361-4708T>C (NM_001256850.1).
Identifiers: ClinVar variation 4281377 (VCV004281377.7).
Genomic context (GRCh38, chr2:178,746,629, plus strand): 5'-TTCTTCCTGGGGCATTATGTCTACATTTGCAAAGCTCTTTGCTTCCCCTATGATGTTTAC[A>G]GCATGACACATGTACTCTCCCCCTTCTCCTTTTTGAATGTTAGAAATTTCCAGTGAACAC-3'